The following is an entry in ClinVar:

ClinVar aggregate classification (germline): Uncertain significance (1 of 4 stars; one submission).

Allele frequency attached by ClinVar (database versions not stated): gnomAD exomes below 0.00001; TOPMed below 0.00001.
gnomAD v4.1: 2 of 1,613,936 alleles (0.00012%); highest among the groups gnomAD compares: African/African-American, 0.0013%; no homozygotes.

Submission:

GeneDx
Classification: Uncertain significance. Last evaluated: 2021-06-17. Review status: criteria provided, single submitter. Criteria: GeneDx Variant Classification Process June 2021. Collection method: clinical testing. Allele origin: germline. Affected: yes.
Comment: Not observed at significant frequency in large population cohorts (Lek et al., 2016); In silico analysis supports that this missense variant does not alter protein structure/function; Has not been previously published as pathogenic or benign to our knowledge; This variant is associated with the following publications: (PMID: 27535533)

NM_030632.3(ASXL3):c.6379C>T (p.Leu2127Phe)

Gene: ASXL3 (ASXL transcriptional regulator 3; plus strand). Cytogenetic location: 18q12.1.
Variant type: single nucleotide variant.
Coding change: c.6379C>T on transcript NM_030632.3 (MANE Select); coding-DNA position 6379, C replaced by T.
Protein change: p.Leu2127Phe; replaces leucine 2127 with phenylalanine.
Molecular consequence: missense variant.
Genome position (GRCh38, 1-based): chr18:33,746,227, C>T. VCF-style: chr18-33746227-C-T. GRCh37 (hg19) VCF-style: chr18-31326191-C-T.
Other names: short protein forms L2127F.
Identifiers: ClinVar variation 1328848 (VCV001328848.2), dbSNP rs2067789662, ClinGen allele CA402196741.